The following is an entry in ClinVar:

ClinVar aggregate classification (germline): Likely pathogenic. Review status: criteria provided, multiple submitters, no conflicts (2 of 4 stars). 5 submissions from 5 submitters: Likely pathogenic (4). 1 of the submissions does not count toward it. Last evaluated 2025-11-07.

Conditions:
TH-deficient dopa-responsive dystonia. Also called: DYT-TH; Tyrosine Hydroxylase-Deficient Dopa-Responsive Dystonia; Segawa syndrome, autosomal recessive. Identifiers: Orphanet 101150, MedGen C2673535, MONDO:0011551, OMIM 605407.

Allele frequency attached by ClinVar (database versions not stated): gnomAD exomes 0.00001; TOPMed 0.00001; gnomAD 0.00002.
gnomAD v4.1: 15 of 1,603,148 alleles (0.00094%); highest among the groups gnomAD compares: Non-Finnish European, 0.0012%; no homozygotes.

Submissions (5):

Natera, Inc.
Classification: Likely pathogenic for Autosomal recessive Segawa syndrome. Last evaluated: 2025-11-07. Review status: criteria provided, single submitter. Criteria: Natera Variant Classification Schema (03/2026). Collection method: clinical testing. Allele origin: germline.
Comment: The c.737+1G>A variant in TH is a canonical splice donor site variant predicted to affect pre-mRNA splicing, which may result in an abnormal transcript and altered protein product. This variant is expected to result in nonsense mediated decay, truncation, or a dysfunctional protein product. This variant is rare in the general population with a frequency below the threshold expected for the associated phenotype(s). Given the available evidence, this variant is classified as Likely Pathogenic.

Labcorp Genetics (formerly Invitae), Labcorp
Classification: Likely pathogenic for TH-deficient dopa-responsive dystonia. Last evaluated: 2025-02-07. Review status: criteria provided, single submitter. Criteria: Invitae Variant Classification Sherloc (09022015). Collection method: clinical testing. Allele origin: germline.
Comment: This sequence change affects a donor splice site in intron 6 of the TH gene. It is expected to disrupt RNA splicing. Variants that disrupt the donor or acceptor splice site typically lead to a loss of protein function (PMID: 16199547), and loss-of-function variants in TH are known to be pathogenic (PMID: 22264700, 24753243). This variant is present in population databases (no rsID available, gnomAD 0.007%). This variant has not been reported in the literature in individuals affected with TH-related conditions. ClinVar contains an entry for this variant (Variation ID: 557031). Algorithms developed to predict the effect of sequence changes on RNA splicing suggest that this variant may disrupt the consensus splice site. In summary, the currently available evidence indicates that the variant is pathogenic, but additional data are needed to prove that conclusively. Therefore, this variant has been classified as Likely Pathogenic.

Fulgent Genetics
Classification: Likely pathogenic for TH-deficient dopa-responsive dystonia. Last evaluated: 2024-05-21. Review status: criteria provided, single submitter. Criteria: ACMG Guidelines, 2015. Collection method: clinical testing. Allele origin: germline.

Baylor Genetics
Classification: Likely pathogenic for TH-deficient dopa-responsive dystonia. Last evaluated: 2023-12-21. Review status: criteria provided, single submitter. Criteria: ACMG Guidelines, 2015. Collection method: clinical testing. Allele origin: unknown.

Counsyl
Classification: Likely pathogenic for TH-deficient dopa-responsive dystonia. Last evaluated: 2018-03-06. Review status: no assertion criteria provided. Collection method: clinical testing. Allele origin: unknown. Not counted in ClinVar's aggregate classification.

Literature cited by the submitters: PubMed 16199547 (cited by Labcorp Genetics (formerly Invitae), Labcorp); PubMed 22264700 (cited by Labcorp Genetics (formerly Invitae), Labcorp); PubMed 24753243 (cited by Labcorp Genetics (formerly Invitae), Labcorp).

NM_000360.4(TH):c.644+1G>A

Gene: TH (tyrosine hydroxylase; minus strand). Cytogenetic location: 11p15.5.
Variant type: single nucleotide variant.
Coding change: c.644+1G>A on transcript NM_000360.4 (MANE Select); the canonical splice donor site of the intron after coding-DNA position 644, G replaced by A.
Molecular consequence: splice donor variant.
Genome position (GRCh38, 1-based): chr11:2,167,865, C>T on the plus strand (G>A on the coding strand, the complement: TH is on the minus strand). VCF-style: chr11-2167865-C-T. GRCh37 (hg19) VCF-style: chr11-2189095-C-T.
Other names: c.725+1G>A (NM_199293.3); c.737+1G>A (NM_199292.3).
Identifiers: ClinVar variation 557031 (VCV000557031.18), dbSNP rs1266265578, ClinGen allele CA379127906.